The following is an entry in ClinVar:

NM_021956.5(GRIK2):c.1285T>A (p.Ser429Thr)

Gene: GRIK2 (glutamate ionotropic receptor kainate type subunit 2; plus strand). Cytogenetic location: 6q16.3.
Variant type: single nucleotide variant.
Coding change: c.1285T>A on transcript NM_021956.5 (MANE Select); coding-DNA position 1285, T replaced by A.
Protein change: p.Ser429Thr; replaces serine 429 with threonine.
Molecular consequence: missense variant.
Genome position (GRCh38, 1-based): chr6:101,818,451, T>A. VCF-style: chr6-101818451-T-A. GRCh37 (hg19) VCF-style: chr6-102266326-T-A.
Other names: c.1285T>A, p.Ser429Thr (NM_001166247.1, NM_175768.3); short protein forms S429T.
Identifiers: ClinVar variation 2432282 (VCV002432282.4), dbSNP rs767297777, ClinGen allele CA3939563.

ClinVar aggregate classification (germline): Uncertain significance. Review status: criteria provided, single submitter (1 of 4 stars). 2 submissions from 2 submitters: Uncertain significance (1). 1 of the submissions does not count toward it. Last evaluated 2020-08-11.

Conditions:
GRIK2-related disorder. Also called: GRIK2-related condition.

Allele frequency attached by ClinVar (database versions not stated): TOPMed 0.00001; gnomAD 0.00006; ExAC 0.00030.
gnomAD v4.1: 265 of 1,607,196 alleles (0.016%); highest among the groups gnomAD compares: South Asian, 0.28%; 5 homozygotes.

Submissions (2):

Revvity Omics, Revvity
Classification: Uncertain significance. Last evaluated: 2020-08-11. Review status: criteria provided, single submitter. Criteria: ACMG Guidelines, 2015. Collection method: clinical testing. Allele origin: germline.

PreventionGenetics, part of Exact Sciences
Classification: Likely benign for GRIK2-related condition. Last evaluated: 2024-09-05. Review status: no assertion criteria provided. Collection method: clinical testing. Allele origin: germline. Not counted in ClinVar's aggregate classification.
Comment: This variant is classified as likely benign based on ACMG/AMP sequence variant interpretation guidelines (Richards et al. 2015 PMID: 25741868, with internal and published modifications).